The following is an entry in ClinVar:

ClinVar aggregate classification (germline): Uncertain significance (1 of 4 stars; one submission).

Conditions:
SBF2-related disorder. Also called: SBF2-related condition.

gnomAD v4.1: 3 of 1,614,204 alleles (0.00019%); highest among the groups gnomAD compares: Middle Eastern, 0.016%; no homozygotes.

Submission:

PreventionGenetics, part of Exact Sciences
Classification: Uncertain significance for SBF2-related condition. Last evaluated: 2026-02-13. Review status: criteria provided, single submitter. Criteria: ACMG Guidelines, 2015. Collection method: clinical testing. Allele origin: germline.
Comment: The SBF2 c.3295A>C variant is predicted to result in the amino acid substitution p.Lys1099Gln. To our knowledge, this variant has not been reported in the literature. This variant is reported in 0.00088% of alleles in individuals of European (Non-Finnish) descent in gnomAD. At this time, the clinical significance of this variant is uncertain due to the absence of conclusive functional and genetic evidence.

NM_030962.4(SBF2):c.3295A>C (p.Lys1099Gln)

Genes: SBF2 (SET binding factor 2; minus strand), LOC101928008 (uncharacterized LOC101928008; plus strand). Cytogenetic location: 11p15.4.
Variant type: single nucleotide variant.
Coding change: c.3295A>C on transcript NM_030962.4 (MANE Select); coding-DNA position 3295, A replaced by C.
Protein change: p.Lys1099Gln; replaces lysine 1099 with glutamine.
Molecular consequence: missense variant.
Genome position (GRCh38, 1-based): chr11:9,839,658, T>G on the plus strand (A>C on the coding strand, the complement: SBF2 is on the minus strand). VCF-style: chr11-9839658-T-G. GRCh37 (hg19) VCF-style: chr11-9861205-T-G.
Other names: c.3295A>C, p.Lys1099Gln (NM_001386339.1); c.3166A>C, p.Lys1056Gln (NM_001386342.1); c.3331A>C, p.Lys1111Gln (NM_001424318.1, NM_001425069.1, NM_001425070.1); short protein forms K1099Q, K1056Q, K1111Q.
Identifiers: ClinVar variation 4991905 (VCV004991905.1).